The following is an entry in ClinVar:

ClinVar aggregate classification (germline): Uncertain significance (1 of 4 stars; one submission).

Allele frequency attached by ClinVar (database versions not stated): gnomAD exomes below 0.00001.
gnomAD v4.1: 1 of 1,608,432 alleles (0.000062%); highest among the groups gnomAD compares: African/African-American, 0.0013%; no homozygotes.

Submission:

Labcorp Genetics (formerly Invitae), Labcorp
Classification: Uncertain significance. Last evaluated: 2023-11-12. Review status: criteria provided, single submitter. Criteria: Invitae Variant Classification Sherloc (09022015). Collection method: clinical testing. Allele origin: germline.
Comment: This sequence change creates a premature translational stop signal (p.Arg3*) in the MARS2 gene. While this is not anticipated to result in nonsense mediated decay, it is expected to disrupt the last 591 amino acid(s) of the MARS2 protein. This variant is not present in population databases (gnomAD no frequency). This variant has not been reported in the literature in individuals affected with MARS2-related conditions. Experimental studies and prediction algorithms are not available or were not evaluated, and the functional significance of this variant is currently unknown. In summary, the available evidence is currently insufficient to determine the role of this variant in disease. Therefore, it has been classified as a Variant of Uncertain Significance.

NM_138395.4(MARS2):c.7C>T (p.Arg3Ter)

Genes: MARS2 (methionyl-tRNA synthetase 2, mitochondrial; plus strand), LOC129935364 (ATAC-STARR-seq lymphoblastoid silent region 12216; plus strand). Cytogenetic location: 2q33.1.
Variant type: single nucleotide variant.
Coding change: c.7C>T on transcript NM_138395.4 (MANE Select); coding-DNA position 7, C replaced by T.
Protein change: p.Arg3Ter; replaces arginine 3 with a stop codon.
Molecular consequence: nonsense.
Genome position (GRCh38, 1-based): chr2:197,705,412, C>T. VCF-style: chr2-197705412-C-T. GRCh37 (hg19) VCF-style: chr2-198570136-C-T.
Other names: short protein forms R3*.
Identifiers: ClinVar variation 2695358 (VCV002695358.3), dbSNP rs2468940260, ClinGen allele CA350211312.